The following is an entry in ClinVar:

ClinVar aggregate classification (germline): Likely benign (0 of 4 stars; one submission).

Conditions:
WAC-related disorder. Also called: WAC-related condition.

Allele frequency attached by ClinVar (database versions not stated): ExAC 0.00003; ESP Exome Variant Server 0.00015.
gnomAD v4.1: 32 of 1,613,980 alleles (0.002%); highest among the groups gnomAD compares: African/African-American, 0.039%; no homozygotes.

Submission:

PreventionGenetics, part of Exact Sciences
Classification: Likely benign for WAC-related condition. Last evaluated: 2023-04-20. Review status: no assertion criteria provided. Collection method: clinical testing. Allele origin: germline.
Comment: This variant is classified as likely benign based on ACMG/AMP sequence variant interpretation guidelines (Richards et al. 2015 PMID: 25741868, with internal and published modifications).

NM_016628.5(WAC):c.886T>A (p.Ser296Thr)

Gene: WAC (WW domain containing adaptor with coiled-coil; plus strand). Cytogenetic location: 10p12.1.
Variant type: single nucleotide variant.
Coding change: c.886T>A on transcript NM_016628.5 (MANE Select); coding-DNA position 886, T replaced by A.
Protein change: p.Ser296Thr; replaces serine 296 with threonine.
Molecular consequence: missense variant. On other transcripts: intron variant (1).
Genome position (GRCh38, 1-based): chr10:28,596,008, T>A. VCF-style: chr10-28596008-T-A. GRCh37 (hg19) VCF-style: chr10-28884937-T-A.
Other names: c.751T>A, p.Ser251Thr (NM_100264.3); c.610+5176T>A (NM_100486.4); short protein forms S251T, S296T.
Identifiers: ClinVar variation 3031043 (VCV003031043.2), dbSNP rs145351502, ClinGen allele CA5454895.
Genomic context (GRCh38, chr10:28,596,008, plus strand): 5'-CCAAAGAAATCATTTGATGCTAATGGAGCATCTACTTTATCAAAACTGCCTACACCCACA[T>A]CTTCTGTCCCTGCACAGAAAACAGAAAGAAAAGGTATGCCATTATTACTAGATGCTGCAC-3'
Protein context (NP_057712.2, residues 286-306): STLSKLPTPT[Ser296Thr]SVPAQKTERK